The following is an entry in ClinVar:

ClinVar aggregate classification (germline): Likely benign (1 of 4 stars; one submission).

Submission:

CeGaT Center for Human Genetics Tuebingen
Classification: Likely benign. Last evaluated: 2025-04-01. Review status: criteria provided, single submitter. Criteria: CeGaT Center For Human Genetics Tuebingen Variant Classification Criteria Version 2. Collection method: clinical testing. Allele origin: germline. Affected: yes. Observed: 1 variant allele.
Comment: CRIPAK: BP4, BP7

NC_000004.12:g.1394868C>T

Genes: CRIPAK (cysteine rich PAK1 inhibitor; plus strand), UVSSA (UV stimulated scaffold protein A; plus strand), LOC126806945 (P300/CBP strongly-dependent group 1 enhancer GRCh37_chr4:1388225-1389424; plus strand). Cytogenetic location: 4p16.3.
Variant type: single nucleotide variant.
Genome position: GRCh38 VCF-style: chr4-1394868-C-T. GRCh37 (hg19) VCF-style: chr4-1388656-C-T.
Identifiers: ClinVar variation 3898176 (VCV003898176.7).